The following is an entry in ClinVar:

NM_002017.5(FLI1):c.335C>T (p.Pro112Leu)

Gene: FLI1 (Fli-1 proto-oncogene, ETS transcription factor; plus strand). Cytogenetic location: 11q24.3.
Variant type: single nucleotide variant.
Coding change: c.335C>T on transcript NM_002017.5 (MANE Select); coding-DNA position 335, C replaced by T.
Protein change: p.Pro112Leu; replaces proline 112 with leucine.
Molecular consequence: missense variant. On other transcripts: intron variant (1).
Genome position (GRCh38, 1-based): chr11:128,768,222, C>T. VCF-style: chr11-128768222-C-T. GRCh37 (hg19) VCF-style: chr11-128638117-C-T.
Other names: c.236C>T, p.Pro79Leu (NM_001167681.3, NM_001440369.1, NM_001440370.1 and 1 more transcripts); c.137C>T, p.Pro46Leu (NM_001271010.2); c.335C>T, p.Pro112Leu (NM_001440372.1); c.10+9896C>T (NM_001271012.2); short protein forms P46L, P79L, P112L.
Identifiers: ClinVar variation 4781579 (VCV004781579.1).

ClinVar aggregate classification (germline): Uncertain significance (1 of 4 stars; one submission).

Submission:

Labcorp Genetics (formerly Invitae), Labcorp
Classification: Uncertain significance. Last evaluated: 2025-09-23. Review status: criteria provided, single submitter. Criteria: Invitae Variant Classification Sherloc (09022015). Collection method: clinical testing. Allele origin: germline.
Comment: This sequence change replaces proline, which is neutral and non-polar, with leucine, which is neutral and non-polar, at codon 112 of the FLI1 protein (p.Pro112Leu). This variant is not present in population databases (gnomAD no frequency). This variant has not been reported in the literature in individuals affected with FLI1-related conditions. Invitae Evidence Modeling of protein sequence and biophysical properties (such as structural, functional, and spatial information, amino acid conservation, physicochemical variation, residue mobility, and thermodynamic stability) indicates that this missense variant is not expected to disrupt FLI1 protein function with a negative predictive value of 80%. In summary, the available evidence is currently insufficient to determine the role of this variant in disease. Therefore, it has been classified as a Variant of Uncertain Significance.